The following is an entry in ClinVar:

ClinVar aggregate classification (germline): Uncertain significance (1 of 4 stars; one submission).

Allele frequency attached by ClinVar (database versions not stated): gnomAD exomes below 0.00001.
gnomAD v4.1: 1 of 1,550,084 alleles (0.000065%); highest among the groups gnomAD compares: African/African-American, 0.0014%; no homozygotes.

Submission:

Labcorp Genetics (formerly Invitae), Labcorp
Classification: Uncertain significance. Last evaluated: 2021-12-03. Review status: criteria provided, single submitter. Criteria: Invitae Variant Classification Sherloc (09022015). Collection method: clinical testing. Allele origin: germline.
Comment: This sequence change replaces alanine, which is neutral and non-polar, with threonine, which is neutral and polar, at codon 913 of the UNC80 protein (p.Ala913Thr). This variant is not present in population databases (gnomAD no frequency). This variant has not been reported in the literature in individuals affected with UNC80-related conditions. Algorithms developed to predict the effect of missense changes on protein structure and function are either unavailable or do not agree on the potential impact of this missense change (SIFT: "Not Available"; PolyPhen-2: "Probably Damaging"; Align-GVGD: "Not Available"). In summary, the available evidence is currently insufficient to determine the role of this variant in disease. Therefore, it has been classified as a Variant of Uncertain Significance.

NM_001371986.1(UNC80):c.2737G>A (p.Ala913Thr)

Gene: UNC80 (unc-80 homolog, NALCN channel complex subunit; plus strand). Cytogenetic location: 2q34.
Variant type: single nucleotide variant.
Coding change: c.2737G>A on transcript NM_001371986.1 (MANE Select); coding-DNA position 2737, G replaced by A.
Protein change: p.Ala913Thr; replaces alanine 913 with threonine.
Molecular consequence: missense variant.
Genome position (GRCh38, 1-based): chr2:209,831,553, G>A. VCF-style: chr2-209831553-G-A. GRCh37 (hg19) VCF-style: chr2-210696277-G-A.
Other names: c.2737G>A, p.Ala913Thr (NM_032504.2); c.2722G>A, p.Ala908Thr (NM_182587.4); short protein forms A908T, A913T.
Identifiers: ClinVar variation 1476874 (VCV001476874.3), dbSNP rs2080968781, ClinGen allele CA350411318.